The following is an entry in ClinVar:

NM_003403.5(YY1):c.405G>C (p.Val135=)

Gene: YY1 (YY1 transcription factor; plus strand). Cytogenetic location: 14q32.2.
Variant type: single nucleotide variant.
Coding change: c.405G>C on transcript NM_003403.5 (MANE Select); coding-DNA position 405, G replaced by C.
Protein change: p.Val135=; no amino-acid change (valine 135 retained).
Molecular consequence: synonymous variant.
Genome position (GRCh38, 1-based): chr14:100,239,649, G>C. VCF-style: chr14-100239649-G-C. GRCh37 (hg19) VCF-style: chr14-100705986-G-C.
Identifiers: ClinVar variation 4822575 (VCV004822575.5).

ClinVar aggregate classification (germline): Likely benign. Review status: criteria provided, multiple submitters, no conflicts (2 of 4 stars). 2 submissions from 2 submitters: Likely benign (2). Last evaluated 2026-01-01.

gnomAD v4.1: 17 of 1,610,354 alleles (0.0011%); highest among the groups gnomAD compares: Non-Finnish European, 0.0014%; no homozygotes.

Submissions (2):

CeGaT Center for Human Genetics Tuebingen
Classification: Likely benign. Last evaluated: 2026-01-01. Review status: criteria provided, single submitter. Criteria: CeGaT Center For Human Genetics Tuebingen Variant Classification Criteria Version 2. Collection method: clinical testing. Allele origin: germline. Affected: yes. Observed: 1 variant allele.
Comment: YY1: BP4, BP7

Blueprint Genetics
Classification: Likely benign. Last evaluated: 2022-08-11. Review status: criteria provided, single submitter. Criteria: ACMG Guidelines, 2015. Collection method: clinical testing. Allele origin: germline.